The following is an entry in ClinVar:

NM_018713.3(SLC30A10):c.1293C>A (p.His431Gln)

Gene: SLC30A10 (solute carrier family 30 member 10; minus strand). Cytogenetic location: 1q41.
Variant type: single nucleotide variant.
Coding change: c.1293C>A on transcript NM_018713.3 (MANE Select); coding-DNA position 1293, C replaced by A.
Protein change: p.His431Gln; replaces histidine 431 with glutamine.
Molecular consequence: missense variant. On other transcripts: non-coding transcript variant (2).
Genome position (GRCh38, 1-based): chr1:219,915,614, G>T on the plus strand (C>A on the coding strand, the complement: SLC30A10 is on the minus strand). VCF-style: chr1-219915614-G-T. GRCh37 (hg19) VCF-style: chr1-220088956-G-T.
Other names: c.1104C>A, p.His368Gln (NM_001376929.1); short protein forms H368Q, H431Q.
Identifiers: ClinVar variation 1576640 (VCV001576640.10), dbSNP rs79106013, ClinGen allele CA1399137.

ClinVar aggregate classification (germline): Conflicting classifications of pathogenicity. Review status: criteria provided, conflicting classifications (1 of 4 stars). 2 submissions from 2 submitters: Uncertain significance (1); Likely benign (1). Last evaluated 2025-10-06.

Allele frequency attached by ClinVar (database versions not stated): gnomAD exomes 0.00007 and 0.00023; ExAC 0.00029; 1000 Genomes Project 0.00060; gnomAD 0.00070 and 0.00074; 1000 Genomes Project 30x 0.00078; TOPMed 0.00079; ESP Exome Variant Server 0.00108.

Submissions (2):

Labcorp Genetics (formerly Invitae), Labcorp
Classification: Likely benign. Last evaluated: 2025-10-06. Review status: criteria provided, single submitter. Criteria: Invitae Variant Classification Sherloc (09022015). Collection method: clinical testing. Allele origin: germline.

GeneDx
Classification: Uncertain significance. Last evaluated: 2022-01-14. Review status: criteria provided, single submitter. Criteria: GeneDx Variant Classification Process June 2021. Collection method: clinical testing. Allele origin: germline. Affected: yes.
Comment: In silico analysis supports that this missense variant does not alter protein structure/function; Has not been previously published as pathogenic or benign to our knowledge